The following is an entry in ClinVar:

NM_001267727.2(ARSG):c.1429G>C (p.Ala477Pro)

Genes: ARSG (arylsulfatase G; plus strand), PRKAR1A (protein kinase cAMP-dependent type I regulatory subunit alpha; plus strand). Cytogenetic location: 17q24.2.
Variant type: single nucleotide variant.
Coding change: c.1429G>C on transcript NM_001267727.2 (MANE Select); coding-DNA position 1429, G replaced by C.
Protein change: p.Ala477Pro; replaces alanine 477 with proline.
Molecular consequence: missense variant. On other transcripts: intron variant (3).
Genome position (GRCh38, 1-based): chr17:68,420,314, G>C. VCF-style: chr17-68420314-G-C. GRCh37 (hg19) VCF-style: chr17-66416455-G-C.
Other names: c.1303+18864G>C (NM_001352910.2); c.1255+18864G>C (NM_001352909.2); c.-7+6519G>C (NM_001278433.2); c.1429G>C, p.Ala477Pro (NM_001352899.2, NM_001352900.2, NM_001352901.2 and 2 more transcripts); c.1426G>C, p.Ala476Pro (NM_001352903.2, NM_001352904.2, NM_001352905.2 and 2 more transcripts); short protein forms A477P, A476P.
Identifiers: ClinVar variation 2795458 (VCV002795458.3), dbSNP rs1240791118, ClinGen allele CA400749096.

ClinVar aggregate classification (germline): Uncertain significance (1 of 4 stars; one submission).

Allele frequency attached by ClinVar (database versions not stated): gnomAD exomes 0.00001; TOPMed 0.00001.
gnomAD v4.1: 14 of 1,614,126 alleles (0.00087%); highest among the groups gnomAD compares: Middle Eastern, 0.033%; no homozygotes.

Submission:

Labcorp Genetics (formerly Invitae), Labcorp
Classification: Uncertain significance. Last evaluated: 2023-08-08. Review status: criteria provided, single submitter. Criteria: Invitae Variant Classification Sherloc (09022015). Collection method: clinical testing. Allele origin: germline.
Comment: This variant is present in population databases (no rsID available, gnomAD 0.004%). This sequence change replaces alanine, which is neutral and non-polar, with proline, which is neutral and non-polar, at codon 477 of the ARSG protein (p.Ala477Pro). This variant has not been reported in the literature in individuals affected with ARSG-related conditions. Advanced modeling of protein sequence and biophysical properties (such as structural, functional, and spatial information, amino acid conservation, physicochemical variation, residue mobility, and thermodynamic stability) performed at Invitae indicates that this missense variant is not expected to disrupt ARSG protein function. In summary, the available evidence is currently insufficient to determine the role of this variant in disease. Therefore, it has been classified as a Variant of Uncertain Significance.